The following is an entry in ClinVar:

ClinVar aggregate classification (germline): Benign/Likely benign. Review status: criteria provided, multiple submitters, no conflicts (2 of 4 stars). 19 submissions from 19 submitters: Benign (7); Likely benign (9). 3 of the submissions do not count toward it. Last evaluated 2026-09-01.

Conditions:
FGFR3-related chondrodysplasia. Identifiers: Orphanet 93420, MedGen C5681604, MONDO:0019685.
Colorectal cancer. Also called: Colorectal cancer, somatic; Malignant Colorectal Neoplasm. Identifiers: MedGen C0346629, MONDO:0005575, OMIM 114500.
Severe achondroplasia-developmental delay-acanthosis nigricans syndrome. Also called: Severe achondroplasia with developmental delay and acanthosis nigricans; SADDAN dysplasia. Identifiers: Orphanet 85165, MedGen C2674173, MONDO:0014658, OMIM 616482.
Thanatophoric dysplasia type 1 (TD1). Also called: LETHAL SHORT-LIMBED PLATYSPONDYLIC DWARFISM, SAN DIEGO TYPE; Thanatophoric Dysplasia Type 1 (TD Type 1); PLATYSPONDYLIC LETHAL SKELETAL DYSPLASIA, SAN DIEGO TYPE. Identifiers: Orphanet 1860, Orphanet 2655, MedGen C1868678, MONDO:0008546, OMIM 187600. Disease mechanism: gain of function.
Thanatophoric dysplasia, type 2 (TD2). Also called: Thanatophoric Dysplasia Type 2 (TD Type 2); CLOVERLEAF SKULL WITH THANATOPHORIC DWARFISM; THANATOPHORIC DYSPLASIA WITH KLEEBLATTSCHAEDEL; THANATOPHORIC DYSPLASIA WITH STRAIGHT FEMURS AND CLOVERLEAF SKULL. Identifiers: Orphanet 2655, Orphanet 93274, MedGen C1300257, MONDO:0008547, OMIM 187601. Disease mechanism: gain of function.
Levy-Hollister syndrome (LADD). Also called: LADD syndrome. Identifiers: Orphanet 2363, MedGen C0265269, MONDO:0007872.
Achondroplasia (ACH). Also called: Achondroplastic dwarfism. Identifiers: Orphanet 15, MedGen C0001080, MONDO:0007037, OMIM 100800. Disease mechanism: gain of function.
Epidermal nevus. Also called: NEVUS, KERATINOCYTIC, NONEPIDERMOLYTIC; Nevus, epidermal, somatic. Identifiers: Orphanet 79414, MedGen C0334082, MONDO:0008093, OMIM 162900, HP:0010816.
Muenke syndrome (MNKES). Also called: MUENKE NONSYNDROMIC CORONAL CRANIOSYNOSTOSIS. Identifiers: Orphanet 53271, MedGen C1864436, MONDO:0011274, OMIM 602849.
Camptodactyly-tall stature-scoliosis-hearing loss syndrome. Also called: CATSHL SYNDROME. Identifiers: Orphanet 85164, MedGen C1864852, MONDO:0012504, OMIM 610474.
Cervical cancer. Also called: Cancer of cervix; Cervix cancer; Cervical cancer, somatic. Identifiers: MedGen C4048328, MONDO:0002974, OMIM 603956, HP:0030079.
Malignant tumor of urinary bladder. Also called: Bladder cancer; Urinary bladder cancer; Urinary Bladder Neoplasms. Identifiers: MedGen C0005684, MONDO:0001187, OMIM 109800.
Germ cell tumor of testis (TGCT). Also called: Testicular germ cell tumor; GERM CELL TUMOR, SOMATIC. Identifiers: Orphanet 363504, MedGen C1336708, MONDO:0010108, OMIM 273300.
Hypochondroplasia (HCH). Identifiers: Orphanet 429, MedGen C0410529, MONDO:0007793, OMIM 146000. Disease mechanism: gain of function.
Crouzon syndrome-acanthosis nigricans syndrome. Also called: CROUZONODERMOSKELETAL SYNDROME. Identifiers: Orphanet 93262, MedGen C2677099, MONDO:0012833, OMIM 612247.
Connective tissue disorder. Also called: Connective tissue disease. Identifiers: MedGen C0009782, MONDO:0003900.

Allele frequency attached by ClinVar (database versions not stated): 1000 Genomes Project 0.00080; 1000 Genomes Project 30x 0.00094; gnomAD 0.00332 and 0.00342; ESP Exome Variant Server 0.00361; TOPMed 0.00426.
gnomAD v4.1: 7,129 of 1,613,186 alleles (0.44%); highest among the groups gnomAD compares: Non-Finnish European, 0.55%; 31 homozygotes.

Submissions (19):

CeGaT Center for Human Genetics Tuebingen
Classification: Likely benign. Last evaluated: 2026-09-01. Review status: criteria provided, single submitter. Criteria: CeGaT Center For Human Genetics Tuebingen Variant Classification Criteria Version 2. Collection method: clinical testing. Allele origin: germline. Affected: yes. Observed: 20 variant alleles.
Comment: FGFR3: BP4, BS2

Genomenon, Inc
Classification: Benign for FGFR3-related chondrodysplasia. Last evaluated: 2026-06-23. Review status: criteria provided, single submitter. Criteria: Genomenon Sequence Variant Interpretation Standards - Updated. Collection method: curation. Allele origin: germline. Affected: no.
Comment: FGFR3 p.Phe384Leu (c.1150T>C) is a missense variant that changes the amino acid at codon 384 from Phenylalanine to Leucine. In silico models predict that this variant is not damaging. This variant is present at high allele frequency in population databases. We classify FGFR3 p.Phe384Leu (c.1150T>C) as a benign variant.

Women's Health and Genetics/Laboratory Corporation of America, LabCorp
Classification: Likely benign. Last evaluated: 2026-05-11. Review status: criteria provided, single submitter. Criteria: LabCorp Variant Classification Summary - May 2015. Collection method: clinical testing. Allele origin: germline.

Labcorp Genetics (formerly Invitae), Labcorp
Classification: Benign. Last evaluated: 2026-01-20. Review status: criteria provided, single submitter. Criteria: Invitae Variant Classification Sherloc (09022015). Collection method: clinical testing. Allele origin: germline.

Blueprint Genetics
Classification: Likely benign. Last evaluated: 2024-11-26. Review status: criteria provided, single submitter. Criteria: ACMG Guidelines, 2015. Collection method: clinical testing. Allele origin: germline.

Mayo Clinic Laboratories, Mayo Clinic
Classification: Benign. Last evaluated: 2024-11-26. Review status: criteria provided, single submitter. Criteria: ACMG Guidelines, 2015. Collection method: clinical testing. Allele origin: germline. Observed: 3 variant alleles.
Comment: BA1

Athena Diagnostics
Classification: Benign. Last evaluated: 2024-10-21. Review status: criteria provided, single submitter. Criteria: Athena Diagnostics Criteria. Collection method: clinical testing. Allele origin: unknown.

ARUP Laboratories, Molecular Genetics and Genomics, ARUP Laboratories
Classification: Benign. Last evaluated: 2023-11-02. Review status: criteria provided, single submitter. Criteria: ARUP Molecular Germline Variant Investigation Process 2024. Collection method: clinical testing. Allele origin: germline.

Fulgent Genetics
Classification: Likely benign for Achondroplasia; Malignant tumor of urinary bladder; Colorectal cancer; Hypochondroplasia; LADD syndrome 1; Epidermal nevus; Thanatophoric dysplasia type 1; Thanatophoric dysplasia, type 2; Germ cell tumor of testis; Muenke syndrome; Cervical cancer; Camptodactyly-tall stature-scoliosis-hearing loss syndrome; Crouzon syndrome-acanthosis nigricans syndrome; Severe achondroplasia-developmental delay-acanthosis nigricans syndrome. Last evaluated: 2022-01-18. Review status: criteria provided, single submitter. Criteria: ACMG Guidelines, 2015. Collection method: clinical testing. Allele origin: unknown.

Genome Diagnostics Laboratory, The Hospital for Sick Children
Classification: Likely benign for Connective tissue disorder. Last evaluated: 2021-06-18. Review status: criteria provided, single submitter. Criteria: ACMG Guidelines, 2015. Collection method: clinical testing. Allele origin: germline.

Mendelics
Classification: Likely benign for Hypochondroplasia. Last evaluated: 2019-05-28. Review status: criteria provided, single submitter. Criteria: Mendelics Assertion Criteria 2017. Collection method: clinical testing. Allele origin: unknown.

GeneDx
Classification: Benign. Last evaluated: 2017-11-27. Review status: criteria provided, single submitter. Criteria: GeneDx Variant Classification (06012015). Collection method: clinical testing. Allele origin: germline. Affected: yes.
Comment: This variant is considered likely benign or benign based on one or more of the following criteria: it is a conservative change, it occurs at a poorly conserved position in the protein, it is predicted to be benign by multiple in silico algorithms, and/or has population frequency not consistent with disease.

Center for Pediatric Genomic Medicine, Children's Mercy Hospital and Clinics
Classification: Likely benign. Last evaluated: 2016-09-14. Review status: criteria provided, single submitter. Criteria: ACMG Guidelines, 2015. Collection method: clinical testing. Allele origin: germline.
ClinVar note: Converted during submission from Likely Benign to Likely benign.

Eurofins Ntd Llc (ga)
Classification: Benign. Last evaluated: 2016-07-14. Review status: criteria provided, single submitter. Criteria: EGL Classification Definitions 2015. Collection method: clinical testing. Allele origin: germline. Observed: 3 variant alleles, 3 heterozygotes.

Breakthrough Genomics
Classification: Likely benign. Review status: criteria provided, single submitter. Criteria: ACMG Guidelines, 2015. Collection method: not provided. Allele origin: germline. Inheritance: Autosomal dominant inheritance. Affected: yes.

PreventionGenetics, part of Exact Sciences
Classification: Likely benign. Review status: criteria provided, single submitter. Criteria: ACMG Guidelines, 2015. Collection method: clinical testing. Allele origin: germline.

ITMI
No classification provided. Condition: AllHighlyPenetrant. Last evaluated: 2013-09-19. Review status: no classification provided. Collection method: reference population. Allele origin: germline. Not counted in ClinVar's aggregate classification.
Comment: Please see associated publication for description of ethnicities

Diagnostic Laboratory, Department of Genetics, University Medical Center Groningen
Classification: Likely benign. Review status: no assertion criteria provided. Collection method: clinical testing. Allele origin: germline. Affected: yes. Study: VKGL Data-share Consensus. Not counted in ClinVar's aggregate classification.

Laboratory of Diagnostic Genome Analysis, Leiden University Medical Center (LUMC)
Classification: Likely benign. Review status: no assertion criteria provided. Collection method: clinical testing. Allele origin: germline. Affected: yes. Study: VKGL Data-share Consensus. Not counted in ClinVar's aggregate classification.

Literature cited by the submitters: PubMed 24728327 (cited by Athena Diagnostics and ITMI); PubMed 25777271 (cited by Athena Diagnostics); PubMed 26887047 (cited by Athena Diagnostics); PubMed 9279764 (cited by Athena Diagnostics); PubMed 25505835 (cited by Athena Diagnostics).

NM_000142.5(FGFR3):c.1150T>C (p.Phe384Leu)

Gene: FGFR3 (fibroblast growth factor receptor 3; plus strand). Cytogenetic location: 4p16.3.
Variant type: single nucleotide variant.
Coding change: c.1150T>C on transcript NM_000142.5 (MANE Select); coding-DNA position 1150, T replaced by C.
Protein change: p.Phe384Leu; replaces phenylalanine 384 with leucine.
Molecular consequence: missense variant. On other transcripts: non-coding transcript variant (1), intron variant (1).
Genome position (GRCh38, 1-based): chr4:1,804,404, T>C. VCF-style: chr4-1804404-T-C. GRCh37 (hg19) VCF-style: chr4-1806131-T-C.
Other names: c.1156T>C, p.Phe386Leu (NM_001163213.2); c.1150T>C, p.Phe384Leu (NM_001354809.2, NM_001354810.2); c.931-420T>C (NM_022965.4); short protein forms F384L, F386L.
Identifiers: ClinVar variation 134404 (VCV000134404.71), dbSNP rs17881656, ClinGen allele CA159710.